The following is an entry in ClinVar:

ClinVar aggregate classification (germline): Uncertain significance (1 of 4 stars; one submission).

Conditions:
Inborn genetic diseases. Identifiers: MedGen C0950123, MeSH D030342.

Submission:

Ambry Genetics
Classification: Uncertain significance for Inborn genetic diseases. Last evaluated: 2024-08-26. Review status: criteria provided, single submitter. Criteria: Ambry Variant Classification Scheme 2023. Collection method: clinical testing. Allele origin: germline.
Comment: The c.1646A>G (p.N549S) alteration is located in exon 12 (coding exon 11) of the FGFR2 gene. This alteration results from an A to G substitution at nucleotide position 1646, causing the asparagine (N) at amino acid position 549 to be replaced by a serine (S). This variant was not reported in population-based cohorts in the Genome Aggregation Database (gnomAD). This variant was reported in an individual with features consistent with FGFR2-related craniosynostosis disorders (Apra, 2016). This amino acid position is highly conserved in available vertebrate species. The in silico prediction for this alteration is inconclusive. Based on insufficient or conflicting evidence, the clinical significance of this alteration remains unclear.

Literature cited by the submitters: PubMed 7987400; PubMed 17803937; PubMed 28166054; PubMed 31204250.

NM_000141.5(FGFR2):c.1646A>G (p.Asn549Ser)

Gene: FGFR2 (fibroblast growth factor receptor 2; minus strand). Cytogenetic location: 10q26.13.
Variant type: single nucleotide variant.
Coding change: c.1646A>G on transcript NM_000141.5 (MANE Select); coding-DNA position 1646, A replaced by G.
Protein change: p.Asn549Ser; replaces asparagine 549 with serine.
Molecular consequence: missense variant. On other transcripts: non-coding transcript variant (1).
Genome position (GRCh38, 1-based): chr10:121,498,521, T>C on the plus strand (A>G on the coding strand, the complement: FGFR2 is on the minus strand). VCF-style: chr10-121498521-T-C. GRCh37 (hg19) VCF-style: chr10-123258035-T-C.
Other names: c.1649A>G, p.Asn550Ser (NM_001144913.1, NM_022970.4); c.1310A>G, p.Asn437Ser (NM_001144914.1); c.1379A>G, p.Asn460Ser (NM_001144915.2, NM_023029.3); c.1301A>G, p.Asn434Ser (NM_001144916.2); c.1298A>G, p.Asn433Ser (NM_001144917.2); c.1295A>G, p.Asn432Ser (NM_001144918.2); c.1382A>G, p.Asn461Ser (NM_001144919.2); c.962A>G, p.Asn321Ser (NM_001320654.2); and 1 more; short protein forms N321S, N432S, N550S, N434S, N547S, N433S, N460S, N437S.
Identifiers: ClinVar variation 3515003 (VCV003515003.1).